The following is an entry in ClinVar:

NM_001374385.1(ATP8B1):c.2101C>T (p.Leu701=)

Genes: ATP8B1 (ATPase phospholipid transporting 8B1; minus strand), ATP8B1-AS1 (ATP8B1 antisense RNA 1; plus strand). Cytogenetic location: 18q21.31.
Variant type: single nucleotide variant.
Coding change: c.2101C>T on transcript NM_001374385.1 (MANE Select); coding-DNA position 2101, C replaced by T.
Protein change: p.Leu701=; no amino-acid change (leucine 701 retained).
Molecular consequence: synonymous variant. On other transcripts: non-coding transcript variant (1).
Genome position (GRCh38, 1-based): chr18:57,668,537, G>A on the plus strand (C>T on the coding strand, the complement: ATP8B1 is on the minus strand). VCF-style: chr18-57668537-G-A. GRCh37 (hg19) VCF-style: chr18-55335769-G-A.
Other names: c.2101C>T (NM_005603.4); c.1951C>T, p.Leu651= (NM_001374386.1); c.2101C>T, p.Leu701= (NM_005603.6).
Identifiers: ClinVar variation 2760144 (VCV002760144.4), dbSNP rs774729559, ClinGen allele CA8974357.

ClinVar aggregate classification (germline): Likely benign. Review status: criteria provided, multiple submitters, no conflicts (2 of 4 stars). 2 submissions from 2 submitters: Likely benign (2). Last evaluated 2026-08-29.

Conditions:
ATP8B1-related disorder. Also called: ATP8B1-related disorders; ATP8B1-related condition.

Allele frequency attached by ClinVar (database versions not stated): gnomAD 0.00001; gnomAD exomes 0.00001; ExAC 0.00002.
gnomAD v4.1: 9 of 907,192 alleles (0.00099%); highest among the groups gnomAD compares: Admixed American, 0.018%; no homozygotes.

Submissions (2):

PreventionGenetics, part of Exact Sciences
Classification: Likely benign for ATP8B1-related condition. Last evaluated: 2026-08-29. Review status: criteria provided, single submitter. Criteria: ACMG Guidelines, 2015. Collection method: clinical testing. Allele origin: germline.
Comment: This variant is classified as likely benign based on ACMG/AMP sequence variant interpretation guidelines (Richards et al. 2015 PMID: 25741868, with internal and published modifications).

Labcorp Genetics (formerly Invitae), Labcorp
Classification: Likely benign. Last evaluated: 2024-01-02. Review status: criteria provided, single submitter. Criteria: Invitae Variant Classification Sherloc (09022015). Collection method: clinical testing. Allele origin: germline.